The following is an entry in ClinVar:

ClinVar aggregate classification (germline): Uncertain significance. Review status: criteria provided, multiple submitters, no conflicts (2 of 4 stars). 2 submissions from 2 submitters: Uncertain significance (2). Last evaluated 2024-10-01.

Conditions:
Inborn genetic diseases. Identifiers: MedGen C0950123, MeSH D030342.

gnomAD v4.1: 318 of 1,609,410 alleles (0.02%); highest among the groups gnomAD compares: Non-Finnish European, 0.025%; 1 homozygote.

Submissions (2):

CeGaT Center for Human Genetics Tuebingen
Classification: Uncertain significance. Last evaluated: 2024-10-01. Review status: criteria provided, single submitter. Criteria: CeGaT Center For Human Genetics Tuebingen Variant Classification Criteria Version 2. Collection method: clinical testing. Allele origin: germline. Affected: yes. Observed: 1 variant allele.
Comment: PTCD3: PM2, BP4

Ambry Genetics
Classification: Uncertain significance for Inborn genetic diseases. Last evaluated: 2024-05-30. Review status: criteria provided, single submitter. Criteria: Ambry Variant Classification Scheme 2023. Collection method: clinical testing. Allele origin: germline.

NM_017952.6(PTCD3):c.289C>T (p.Pro97Ser)

Gene: PTCD3 (pentatricopeptide repeat domain 3; plus strand). Cytogenetic location: 2p11.2.
Variant type: single nucleotide variant.
Coding change: c.289C>T on transcript NM_017952.6 (MANE Select); coding-DNA position 289, C replaced by T.
Protein change: p.Pro97Ser; replaces proline 97 with serine.
Molecular consequence: missense variant.
Genome position (GRCh38, 1-based): chr2:86,116,578, C>T. VCF-style: chr2-86116578-C-T. GRCh37 (hg19) VCF-style: chr2-86343701-C-T.
Other names: short protein forms P97S.
Identifiers: ClinVar variation 3311097 (VCV003311097.15).
Genomic context (GRCh38, chr2:86,116,578, plus strand): 5'-TCTTTTCCACAGGATACCACAGCTGTGCCTTATGTGTTTCAAGATGATCCTTACCTTATG[C>T]CAGCATCATCTTTGGAATCTGTGAGTATTTTCATATAATTTTCTAGTGTTTTATCTCTCT-3'
Protein context (NP_060422.4, residues 87-107): YVFQDDPYLM[Pro97Ser]ASSLESRSFL